The following is an entry in ClinVar:

ClinVar aggregate classification (germline): Conflicting classifications of pathogenicity. Review status: criteria provided, conflicting classifications (1 of 4 stars). 10 submissions from 8 submitters: Uncertain significance (2); Benign (1); Likely benign (5). 2 of the submissions do not count toward it. Last evaluated 2025-12-30.

Conditions:
Usher syndrome type 1 (USH1). Also called: RETINITIS PIGMENTOSA AND CONGENITAL DEAFNESS. Identifiers: Orphanet 231169, Orphanet 886, MedGen C1568247, MONDO:0010168, OMIM 276900.
Autosomal recessive nonsyndromic hearing loss 2. Also called: DEAFNESS, AUTOSOMAL RECESSIVE 2; NEUROSENSORY NONSYNDROMIC RECESSIVE DEAFNESS 2. Identifiers: Orphanet 90636, MedGen C1838701, MONDO:0010807, OMIM 600060.
Autosomal dominant nonsyndromic hearing loss 11. Identifiers: Orphanet 90635, MedGen C1832475, MONDO:0011032, OMIM 601317.

Allele frequency attached by ClinVar (database versions not stated): TOPMed 0.00039; ExAC 0.00069; ESP Exome Variant Server 0.00048; gnomAD 0.00050 and 0.00051.
gnomAD v4.1: 1,028 of 1,613,684 alleles (0.064%); highest among the groups gnomAD compares: Middle Eastern, 0.099%; no homozygotes.

Submissions (10):

Labcorp Genetics (formerly Invitae), Labcorp
Classification: Benign. Last evaluated: 2025-12-30. Review status: criteria provided, single submitter. Criteria: Invitae Variant Classification Sherloc (09022015). Collection method: clinical testing. Allele origin: germline.

Blueprint Genetics
Classification: Likely benign. Last evaluated: 2024-11-13. Review status: criteria provided, single submitter. Criteria: ACMG Guidelines, 2015. Collection method: clinical testing. Allele origin: germline.

CeGaT Center for Human Genetics Tuebingen
Classification: Likely benign. Last evaluated: 2024-02-01. Review status: criteria provided, single submitter. Criteria: CeGaT Center For Human Genetics Tuebingen Variant Classification Criteria Version 2. Collection method: clinical testing. Allele origin: germline. Affected: yes. Observed: 3 variant alleles.
Comment: MYO7A: BP4, BP7

GeneDx
Classification: Likely benign. Last evaluated: 2021-09-24. Review status: criteria provided, single submitter. Criteria: GeneDx Variant Classification Process June 2021. Collection method: clinical testing. Allele origin: germline. Affected: yes.

Illumina Laboratory Services, Illumina
Classification: Likely benign for Autosomal dominant nonsyndromic hearing loss 11. Last evaluated: 2018-01-13. Review status: criteria provided, single submitter. Criteria: ICSL Variant Classification Criteria 13 December 2019. Collection method: clinical testing. Allele origin: germline.
Comment: This variant was observed in the ICSL laboratory as part of a predisposition screen in an ostensibly healthy population. It had not been previously curated by ICSL or reported in the Human Gene Mutation Database (HGMD: prior to June 1st, 2018), and was therefore a candidate for classification through an automated scoring system. Utilizing variant allele frequency, disease prevalence and penetrance estimates, and inheritance mode, an automated score was calculated to assess if this variant is too frequent to cause the disease. Based on the score and internal cut-off values, a variant classified as likely benign is not then subjected to further curation. The score for this variant resulted in a classification of likely benign for this disease.

Illumina Laboratory Services, Illumina
Classification: Uncertain significance for Usher syndrome type 1. Last evaluated: 2018-01-13. Review status: criteria provided, single submitter. Criteria: ICSL Variant Classification Criteria 13 December 2019. Collection method: clinical testing. Allele origin: germline.

Illumina Laboratory Services, Illumina
Classification: Uncertain significance for Autosomal recessive nonsyndromic hearing loss 2. Last evaluated: 2018-01-13. Review status: criteria provided, single submitter. Criteria: ICSL Variant Classification Criteria 13 December 2019. Collection method: clinical testing. Allele origin: germline.

Laboratory for Molecular Medicine, Mass General Brigham Personalized Medicine
Classification: Likely benign. Last evaluated: 2016-11-13. Review status: criteria provided, single submitter. Criteria: LMM Criteria. Collection method: clinical testing. Allele origin: germline. Observed: 1 variant allele.
Comment: p.Ala162Ala in exon 6 of MYO7A: This variant is not expected to have clinical si gnificance because it does not alter an amino acid residue and is not located wi thin the splice consensus sequence. It has been identified in 0.1% (71/66664) of European chromosomes by the Exome Aggregation Consortium (ExAC; dbSNP rs367687624).

Clinical Genetics DNA and cytogenetics Diagnostics Lab, Erasmus MC, Erasmus Medical Center
Classification: Likely benign. Review status: no assertion criteria provided. Collection method: clinical testing. Allele origin: germline. Affected: yes. Study: VKGL Data-share Consensus. Not counted in ClinVar's aggregate classification.

Clinical Genetics, Academic Medical Center
Classification: Benign. Review status: no assertion criteria provided. Collection method: clinical testing. Allele origin: germline. Affected: yes. Study: VKGL Data-share Consensus. Not counted in ClinVar's aggregate classification.

NM_000260.4(MYO7A):c.486C>T (p.Ala162=)

Gene: MYO7A (myosin VIIA; plus strand). Cytogenetic location: 11q13.5.
Variant type: single nucleotide variant.
Coding change: c.486C>T on transcript NM_000260.4 (MANE Select); coding-DNA position 486, C replaced by T.
Protein change: p.Ala162=; no amino-acid change (alanine 162 retained).
Molecular consequence: synonymous variant.
Genome position (GRCh38, 1-based): chr11:77,156,675, C>T. VCF-style: chr11-77156675-C-T. GRCh37 (hg19) VCF-style: chr11-76867721-C-T.
Other names: c.486C>T, p.Ala162= (NM_001127180.2); c.453C>T, p.Ala151= (NM_001369365.1).
Identifiers: ClinVar variation 504713 (VCV000504713.65), dbSNP rs367687624, ClinGen allele CA6197157.